The following is an entry in ClinVar:

NM_007194.4(CHEK2):c.217T>G (p.Ser73Ala)

Gene: CHEK2 (checkpoint kinase 2; minus strand). Cytogenetic location: 22q12.1.
Variant type: single nucleotide variant.
Coding change: c.217T>G on transcript NM_007194.4 (MANE Select); coding-DNA position 217, T replaced by G.
Protein change: p.Ser73Ala; replaces serine 73 with alanine.
Molecular consequence: missense variant.
Genome position (GRCh38, 1-based): chr22:28,734,505, A>C on the plus strand (T>G on the coding strand, the complement: CHEK2 is on the minus strand). VCF-style: chr22-28734505-A-C. GRCh37 (hg19) VCF-style: chr22-29130493-A-C.
Other names: c.217T>G, p.Ser73Ala (NM_001005735.3, NM_001349956.3, NM_145862.3); c.-561T>G (NM_001257387.3); short protein forms S73A.
Identifiers: ClinVar variation 3661739 (VCV003661739.2).

ClinVar aggregate classification (germline): Uncertain significance (1 of 4 stars; one submission).

Conditions:
Familial cancer of breast. Also called: Hereditary breast cancer; hereditary breast carcinoma; BREAST CANCER, FAMILIAL. Identifiers: Orphanet 227535, MedGen C0346153, MONDO:0016419, OMIM 114480. Disease mechanism: loss of function.

Submission:

Labcorp Genetics (formerly Invitae), Labcorp
Classification: Uncertain significance for Familial cancer of breast. Last evaluated: 2024-08-08. Review status: criteria provided, single submitter. Criteria: Invitae Variant Classification Sherloc (09022015). Collection method: clinical testing. Allele origin: germline.
Comment: This sequence change replaces serine, which is neutral and polar, with alanine, which is neutral and non-polar, at codon 73 of the CHEK2 protein (p.Ser73Ala). This variant is not present in population databases (gnomAD no frequency). This variant has not been reported in the literature in individuals affected with CHEK2-related conditions. An algorithm developed to predict the effect of missense changes on protein structure and function (PolyPhen-2) suggests that this variant is likely to be disruptive. Experimental studies have shown that this missense change affects CHEK2 function (PMID: 16481012). In summary, the available evidence is currently insufficient to determine the role of this variant in disease. Therefore, it has been classified as a Variant of Uncertain Significance.

Literature cited by the submitters: PubMed 16481012.